The following is an entry in ClinVar:

ClinVar aggregate classification (germline): Likely benign. Review status: criteria provided, multiple submitters, no conflicts (2 of 4 stars). 4 submissions from 4 submitters: Likely benign (4). Last evaluated 2025-12-30.

Allele frequency attached by ClinVar (database versions not stated): gnomAD 0.00009 and 0.00011; TOPMed 0.00009; ExAC 0.00013; gnomAD exomes 0.00015; 1000 Genomes Project 0.00026; 1000 Genomes Project 30x 0.00042.
gnomAD v4.1: 169 of 1,208,468 alleles (0.014%); highest among the groups gnomAD compares: Middle Eastern, 0.11%; 1 homozygote.

Submissions (4):

Labcorp Genetics (formerly Invitae), Labcorp
Classification: Likely benign. Last evaluated: 2025-12-30. Review status: criteria provided, single submitter. Criteria: Invitae Variant Classification Sherloc (09022015). Collection method: clinical testing. Allele origin: germline.

Blueprint Genetics
Classification: Likely benign. Last evaluated: 2024-11-26. Review status: criteria provided, single submitter. Criteria: ACMG Guidelines, 2015. Collection method: clinical testing. Allele origin: germline.

CeGaT Center for Human Genetics Tuebingen
Classification: Likely benign. Last evaluated: 2024-11-01. Review status: criteria provided, single submitter. Criteria: CeGaT Center For Human Genetics Tuebingen Variant Classification Criteria Version 2. Collection method: clinical testing. Allele origin: germline. Affected: yes. Observed: 1 variant allele.
Comment: POLA1: BP4, BP7, BS2

Breakthrough Genomics
Classification: Likely benign. Review status: criteria provided, single submitter. Criteria: ACMG Guidelines, 2015. Collection method: not provided. Allele origin: germline. Inheritance: X-linked inheritance. Affected: yes.

NM_001330360.2(POLA1):c.4359C>T (p.Ser1453=)

Gene: POLA1 (DNA polymerase alpha 1, catalytic subunit; plus strand). Cytogenetic location: Xp21.3.
Variant type: single nucleotide variant.
Coding change: c.4359C>T on transcript NM_001330360.2 (MANE Select); coding-DNA position 4359, C replaced by T.
Protein change: p.Ser1453=; no amino-acid change (serine 1453 retained).
Molecular consequence: synonymous variant. On other transcripts: non-coding transcript variant (2).
Genome position (GRCh38, 1-based): chrX:24,995,902, C>T. VCF-style: chrX-24995902-C-T. GRCh37 (hg19) VCF-style: chrX-25014019-C-T.
Other names: c.4284C>T, p.Ser1428= (NM_001378303.1); c.4341C>T, p.Ser1447= (NM_016937.4).
Identifiers: ClinVar variation 1586027 (VCV001586027.24), dbSNP rs761026415, ClinGen allele CA10373742.
Genomic context (GRCh38, chrX:24,995,902, plus strand): 5'-GCAGGACTACAGAAAACTCAAGAACACAGCAGAGCAATTCTTGTCCCGAAGTGGCTACTC[C>T]GAAGTGAATCTGAGCAAACTCTTCGCTGGTTGTGCCGTGAAATCCTAAGGGAATCCCAGG-3'
Protein context (NP_001317289.1, residues 1443-1463): AEQFLSRSGY[Ser1453=]EVNLSKLFAG